The following is an entry in ClinVar:

ClinVar aggregate classification (germline): Uncertain significance. Review status: criteria provided, multiple submitters, no conflicts (2 of 4 stars). 2 submissions from 2 submitters: Uncertain significance (2). Last evaluated 2024-11-01.

Conditions:
RFT1-congenital disorder of glycosylation (CDG1N). Also called: RFT1-CDG; CDG In; Congenital disorder of glycosylation type In. Identifiers: Orphanet 244310, MedGen C2677590, MONDO:0012783, OMIM 612015.

Allele frequency attached by ClinVar (database versions not stated): TOPMed 0.00001.

Submissions (2):

CeGaT Center for Human Genetics Tuebingen
Classification: Uncertain significance. Last evaluated: 2024-11-01. Review status: criteria provided, single submitter. Criteria: CeGaT Center For Human Genetics Tuebingen Variant Classification Criteria Version 2. Collection method: clinical testing. Allele origin: germline. Affected: yes. Observed: 1 variant allele.
Comment: RFT1: PM2

Labcorp Genetics (formerly Invitae), Labcorp
Classification: Uncertain significance for RFT1-congenital disorder of glycosylation. Last evaluated: 2022-08-23. Review status: criteria provided, single submitter. Criteria: Invitae Variant Classification Sherloc (09022015). Collection method: clinical testing. Allele origin: germline.
Comment: This sequence change replaces leucine, which is neutral and non-polar, with arginine, which is basic and polar, at codon 205 of the RFT1 protein (p.Leu205Arg). This variant is not present in population databases (gnomAD no frequency). This variant has not been reported in the literature in individuals affected with RFT1-related conditions. ClinVar contains an entry for this variant (Variation ID: 1498368). Algorithms developed to predict the effect of missense changes on protein structure and function are either unavailable or do not agree on the potential impact of this missense change (SIFT: "Tolerated"; PolyPhen-2: "Probably Damaging"; Align-GVGD: "Class C0"). In summary, the available evidence is currently insufficient to determine the role of this variant in disease. Therefore, it has been classified as a Variant of Uncertain Significance.

NM_052859.4(RFT1):c.614T>G (p.Leu205Arg)

Gene: RFT1 (RFT1 glycolipid translocator homolog; minus strand). Cytogenetic location: 3p21.1.
Variant type: single nucleotide variant.
Coding change: c.614T>G on transcript NM_052859.4 (MANE Select); coding-DNA position 614, T replaced by G.
Protein change: p.Leu205Arg; replaces leucine 205 with arginine.
Molecular consequence: missense variant.
Genome position (GRCh38, 1-based): chr3:53,119,966, A>C on the plus strand (T>G on the coding strand, the complement: RFT1 is on the minus strand). VCF-style: chr3-53119966-A-C. GRCh37 (hg19) VCF-style: chr3-53153982-A-C.
Other names: short protein forms L205R.
Identifiers: ClinVar variation 1498368 (VCV001498368.17), dbSNP rs1357940149, ClinGen allele CA353220472.
Genomic context (GRCh38, chr3:53,119,966, plus strand): 5'-AACAGATCTGTTATTCTGGAGACAGGAAGAGTTTGAAGCTTGGTTGATTCTGGGGAACCC[A>C]GTAACTTTGTGAAATAAATAACATAGCAGAGCACCAGAACTGTGGTATAGAAAAGCTGAG-3'
Protein context (NP_443091.1, residues 195-215): LCYVIYFTKL[Leu205Arg]GSPESTKLQT